The following is an entry in ClinVar:

NM_015178.3(RHOBTB2):c.169G>A (p.Asp57Asn)

Gene: RHOBTB2 (Rho related BTB domain containing 2; plus strand). Cytogenetic location: 8p21.3.
Variant type: single nucleotide variant.
Coding change: c.169G>A on transcript NM_015178.3 (MANE Select); coding-DNA position 169, G replaced by A.
Protein change: p.Asp57Asn; replaces aspartic acid 57 with asparagine.
Molecular consequence: missense variant.
Genome position (GRCh38, 1-based): chr8:23,004,603, G>A. VCF-style: chr8-23004603-G-A. GRCh37 (hg19) VCF-style: chr8-22862116-G-A.
Other names: c.235G>A, p.Asp79Asn (NM_001160036.2); c.190G>A, p.Asp64Asn (NM_001160037.2); c.169G>A, p.Asp57Asn (NM_001374791.1); short protein forms D57N, D79N, D64N.
Identifiers: ClinVar variation 5007297 (VCV005007297.2).

ClinVar aggregate classification (germline): Uncertain significance (1 of 4 stars; one submission).

Conditions:
Developmental and epileptic encephalopathy, 64. Also called: EPILEPTIC ENCEPHALOPATHY, EARLY INFANTILE, 64. Identifiers: MedGen C4693899, MONDO:0033373, OMIM 618004.

gnomAD v4.1: 3 of 1,613,618 alleles (0.00019%); highest among the groups gnomAD compares: Non-Finnish European, 0.00025%; no homozygotes.

Submission:

Juno Genomics, Hangzhou Juno Genomics, Inc
Classification: Uncertain significance for Developmental and epileptic encephalopathy, 64. Review status: criteria provided, single submitter. Criteria: ACMG Guidelines, 2015. Collection method: clinical testing. Allele origin: germline.
Comment: Absent from controls (or at extremely low frequency if recessive) in Genome Aggregation Database.;Missense variant in a gene that has a low rate of benign missense variation.;Multiple lines of computational evidence support a deleterious effect on the gene or gene product.